The following is an entry in ClinVar:

NM_001458.5(FLNC):c.964G>A (p.Glu322Lys)

Gene: FLNC (filamin C; plus strand). Cytogenetic location: 7q32.1.
Variant type: single nucleotide variant.
Coding change: c.964G>A on transcript NM_001458.5 (MANE Select); coding-DNA position 964, G replaced by A.
Protein change: p.Glu322Lys; replaces glutamic acid 322 with lysine.
Molecular consequence: missense variant.
Genome position (GRCh38, 1-based): chr7:128,837,750, G>A. VCF-style: chr7-128837750-G-A. GRCh37 (hg19) VCF-style: chr7-128477804-G-A.
Other names: c.964G>A, p.Glu322Lys (NM_001127487.2); short protein forms E322K.
Identifiers: ClinVar variation 2161994 (VCV002161994.4), dbSNP rs1417082178, ClinGen allele CA369223272.

ClinVar aggregate classification (germline): Uncertain significance (1 of 4 stars; one submission).

Conditions:
Myofibrillar myopathy 5. Also called: FILAMINOPATHY, AUTOSOMAL DOMINANT; Filaminopathy (type). Identifiers: Orphanet 171445, MedGen C1836050, MONDO:0012289, OMIM 609524.
Distal myopathy with posterior leg and anterior hand involvement. Also called: WILLIAMS DISTAL MYOPATHY. Identifiers: Orphanet 63273, MedGen C3279722, MONDO:0013550, OMIM 614065.
Hypertrophic cardiomyopathy 26. Also called: Cardiomyopathy, familial hypertrophic, 26. Identifiers: Orphanet 75249, MedGen C4310749, MONDO:0014883, OMIM 617047.

Allele frequency attached by ClinVar (database versions not stated): gnomAD exomes below 0.00001; gnomAD 0.00001; TOPMed 0.00001.
gnomAD v4.1: 7 of 1,575,858 alleles (0.00044%); highest among the groups gnomAD compares: Admixed American, 0.0019%; no homozygotes.

Submission:

Labcorp Genetics (formerly Invitae), Labcorp
Classification: Uncertain significance for Distal myopathy with posterior leg and anterior hand involvement; Myofibrillar myopathy 5; Hypertrophic cardiomyopathy 26. Last evaluated: 2025-05-23. Review status: criteria provided, single submitter. Criteria: Invitae Variant Classification Sherloc (09022015). Collection method: clinical testing. Allele origin: germline.
Comment: This sequence change replaces glutamic acid, which is acidic and polar, with lysine, which is basic and polar, at codon 322 of the FLNC protein (p.Glu322Lys). This variant is not present in population databases (gnomAD no frequency). This variant has not been reported in the literature in individuals affected with FLNC-related conditions. ClinVar contains an entry for this variant (Variation ID: 2161994). Invitae Evidence Modeling of protein sequence and biophysical properties (such as structural, functional, and spatial information, amino acid conservation, physicochemical variation, residue mobility, and thermodynamic stability) has been performed for this missense variant. However, the output from this modeling did not meet the statistical confidence thresholds required to predict the impact of this variant on FLNC protein function. In summary, the available evidence is currently insufficient to determine the role of this variant in disease. Therefore, it has been classified as a Variant of Uncertain Significance.